The following is an entry in ClinVar:

NM_144498.4(OSBPL2):c.1423G>A (p.Asp475Asn)

Gene: OSBPL2 (oxysterol binding protein like 2; plus strand). Cytogenetic location: 20q13.33.
Variant type: single nucleotide variant.
Coding change: c.1423G>A on transcript NM_144498.4 (MANE Select); coding-DNA position 1423, G replaced by A.
Protein change: p.Asp475Asn; replaces aspartic acid 475 with asparagine.
Molecular consequence: missense variant. On other transcripts: synonymous variant (1).
Genome position (GRCh38, 1-based): chr20:62,293,867, G>A. VCF-style: chr20-62293867-G-A. GRCh37 (hg19) VCF-style: chr20-60868923-G-A.
Other names: c.1023G>A, p.Pro341= (NM_001278649.3); c.1147G>A, p.Asp383Asn (NM_001363878.2); c.1387G>A, p.Asp463Asn (NM_014835.5); c.1423G>A (NM_144498.2, NM_144498.1); short protein forms D475N, D383N, D463N.
Identifiers: ClinVar variation 2188905 (VCV002188905.6), dbSNP rs773989272, ClinGen allele CA9938828.

ClinVar aggregate classification (germline): Uncertain significance. Review status: criteria provided, multiple submitters, no conflicts (2 of 4 stars). 3 submissions from 3 submitters: Uncertain significance (3). Last evaluated 2025-11-05.

Conditions:
Inborn genetic diseases. Identifiers: MedGen C0950123, MeSH D030342.

Allele frequency attached by ClinVar (database versions not stated): gnomAD 0.00003; TOPMed 0.00005; ExAC 0.00003.
gnomAD v4.1: 14 of 1,613,832 alleles (0.00087%); highest among the groups gnomAD compares: Admixed American, 0.0067%; no homozygotes.

Submissions (3):

Ambry Genetics
Classification: Uncertain significance for Inborn genetic diseases. Last evaluated: 2025-11-05. Review status: criteria provided, single submitter. Criteria: Ambry Variant Classification Scheme 2023. Collection method: clinical testing. Allele origin: germline.

GeneDx
Classification: Uncertain significance. Last evaluated: 2024-11-12. Review status: criteria provided, single submitter. Criteria: GeneDx Variant Classification Process June 2021. Collection method: clinical testing. Allele origin: germline. Affected: yes.
Comment: In silico analysis indicates that this missense variant does not alter protein structure/function; Has not been previously published as pathogenic or benign to our knowledge

Labcorp Genetics (formerly Invitae), Labcorp
Classification: Uncertain significance. Last evaluated: 2022-07-21. Review status: criteria provided, single submitter. Criteria: Invitae Variant Classification Sherloc (09022015). Collection method: clinical testing. Allele origin: germline.
Comment: This sequence change replaces aspartic acid, which is acidic and polar, with asparagine, which is neutral and polar, at codon 475 of the OSBPL2 protein (p.Asp475Asn). This variant is present in population databases (rs773989272, gnomAD 0.003%). This variant has not been reported in the literature in individuals affected with OSBPL2-related conditions. Algorithms developed to predict the effect of missense changes on protein structure and function (SIFT, PolyPhen-2, Align-GVGD) all suggest that this variant is likely to be tolerated. In summary, the available evidence is currently insufficient to determine the role of this variant in disease. Therefore, it has been classified as a Variant of Uncertain Significance.